The following is an entry in ClinVar:

NM_003476.5(CSRP3):c.542T>C (p.Ile181Thr)

Gene: CSRP3 (cysteine and glycine rich protein 3; minus strand). Cytogenetic location: 11p15.1.
Variant type: single nucleotide variant.
Coding change: c.542T>C on transcript NM_003476.5 (MANE Select); coding-DNA position 542, T replaced by C.
Protein change: p.Ile181Thr; replaces isoleucine 181 with threonine.
Molecular consequence: missense variant. On other transcripts: synonymous variant (1).
Genome position (GRCh38, 1-based): chr11:19,182,713, A>G on the plus strand (T>C on the coding strand, the complement: CSRP3 is on the minus strand). VCF-style: chr11-19182713-A-G. GRCh37 (hg19) VCF-style: chr11-19204260-A-G.
Other names: c.373T>C, p.Leu125= (NM_001369404.1); c.542T>C (NM_003476.3); short protein forms I181T.
Identifiers: ClinVar variation 580283 (VCV000580283.10), dbSNP rs1565049312, ClinGen allele CA379887525.

ClinVar aggregate classification (germline): Uncertain significance. Review status: criteria provided, multiple submitters, no conflicts (2 of 4 stars). 2 submissions from 2 submitters: Uncertain significance (2). Last evaluated 2023-08-22.

Conditions:
Cardiovascular phenotype. Identifiers: MedGen CN230736.
Hypertrophic cardiomyopathy 12. Identifiers: MedGen C2677491, MONDO:0012804, OMIM 612124.
Dilated cardiomyopathy 1M (CMD1M). Identifiers: Orphanet 154, MedGen C1843808, MONDO:0011840, OMIM 607482.

Submissions (2):

Ambry Genetics
Classification: Uncertain significance for Cardiovascular phenotype. Last evaluated: 2023-08-22. Review status: criteria provided, single submitter. Criteria: Ambry Variant Classification Scheme 2023. Collection method: clinical testing. Allele origin: germline.

Labcorp Genetics (formerly Invitae), Labcorp
Classification: Uncertain significance for Hypertrophic cardiomyopathy 12; Dilated cardiomyopathy 1M. Last evaluated: 2018-06-12. Review status: criteria provided, single submitter. Criteria: Invitae Variant Classification Sherloc (09022015). Collection method: clinical testing. Allele origin: germline.
Comment: In summary, the available evidence is currently insufficient to determine the role of this variant in disease. Therefore, it has been classified as a Variant of Uncertain Significance. Algorithms developed to predict the effect of missense changes on protein structure and function are either unavailable or do not agree on the potential impact of this missense change (SIFT: "Deleterious"; PolyPhen-2: "Benign"; Align-GVGD: "Class C15"). This variant has not been reported in the literature in individuals with CSRP3-related disease. This variant is not present in population databases (ExAC no frequency). This sequence change replaces isoleucine with threonine at codon 181 of the CSRP3 protein (p.Ile181Thr). The isoleucine residue is moderately conserved and there is a moderate physicochemical difference between isoleucine and threonine.